The following is an entry in ClinVar:

ClinVar aggregate classification (germline): Pathogenic/Likely pathogenic. Review status: criteria provided, multiple submitters, no conflicts (2 of 4 stars). 3 submissions from 3 submitters: Pathogenic (1); Likely pathogenic (2). Last evaluated 2026-03-24.

Conditions:
Cone-rod dystrophy 13 (CORD13). Identifiers: Orphanet 1872, MedGen C2750720, MONDO:0011987, OMIM 608194.
Leber congenital amaurosis 6 (LCA6). Identifiers: Orphanet 65, MedGen C1854260, MONDO:0013446, OMIM 613826.

Submissions (3):

Dasa
Classification: Likely pathogenic. Last evaluated: 2026-03-24. Review status: criteria provided, single submitter. Criteria: DASA Assertion Criteria. Collection method: clinical testing. Allele origin: germline.
Comment: NM_020366.4(RPGRIP1):c.14_29dup (p.Asp11Glyfs*10) is a frameshift variant in RPGRIP1 predicted to alter the reading frame and introduce a premature termination codon and is predicted to result in an absent or altered protein product. Loss of function is an established disease mechanism for RPGRIP1-associated disorders. Also, this variant is rare in population databases. Based on the currently available evidence, this variant is classified as likely pathogenic.

Labcorp Genetics (formerly Invitae), Labcorp
Classification: Pathogenic for Leber congenital amaurosis 6; Cone-rod dystrophy 13. Last evaluated: 2024-06-13. Review status: criteria provided, single submitter. Criteria: Invitae Variant Classification Sherloc (09022015). Collection method: clinical testing. Allele origin: germline.
Comment: This sequence change creates a premature translational stop signal (p.Asp11Glyfs*10) in the RPGRIP1 gene. It is expected to result in an absent or disrupted protein product. Loss-of-function variants in RPGRIP1 are known to be pathogenic (PMID: 11528500, 23105016). This variant is not present in population databases (gnomAD no frequency). This variant has not been reported in the literature in individuals affected with RPGRIP1-related conditions. ClinVar contains an entry for this variant (Variation ID: 1069749). For these reasons, this variant has been classified as Pathogenic.

Fulgent Genetics
Classification: Likely pathogenic for Cone-rod dystrophy 13; Leber congenital amaurosis 6. Last evaluated: 2024-01-19. Review status: criteria provided, single submitter. Criteria: ACMG Guidelines, 2015. Collection method: clinical testing. Allele origin: germline.

Literature cited by the submitters: PubMed 11528500 (cited by Labcorp Genetics (formerly Invitae), Labcorp); PubMed 23105016 (cited by Labcorp Genetics (formerly Invitae), Labcorp).

NM_020366.4(RPGRIP1):c.14_29dup (p.Asp11fs)

Gene: RPGRIP1 (RPGR interacting protein 1; plus strand). Cytogenetic location: 14q11.2.
Variant type: Duplication.
Coding change: c.14_29dup on transcript NM_020366.4 (MANE Select); coding-DNA positions 14 to 29, 16 bases duplicated (TGGACCCTACATCAGG).
Protein change: p.Asp11fs; shifts the reading frame from aspartic acid 11.
Molecular consequence: frameshift variant.
Genome position (GRCh38, 1-based): chr14:21,287,990-21,288,005, TGGACCCTACATCAGG duplicated; duplicating any 16 consecutive bases within chr14:21,287,988-21,288,005 gives the same sequence; the c. name uses the placement nearest the transcript's 3' end. VCF-style (leftmost placement, unchanged base first): chr14-21287987-T-TGGTGGACCCTACATCA. GRCh37 (hg19) VCF-style: chr14-21756146-T-TGGTGGACCCTACATCA.
Other names: short protein forms D11fs.
Identifiers: ClinVar variation 1069749 (VCV001069749.11), dbSNP rs1181453325, ClinGen allele CA704127658.
Genomic context (GRCh38, chr14:21,287,987, plus strand): 5'-CCTTTATTTCAGTGTCCTCTGGGATCTCTTACAGCTTGGGAACAGAGATCATGTCACATC[T>TGGTGGACCCTACATCA]GGTGGACCCTACATCAGGAGACTTGCCAGTTAGAGACATAGATGCTATACCTCTGGTGCT-3'